The following is an entry in ClinVar:

ClinVar aggregate classification (germline): Likely benign. Review status: criteria provided, multiple submitters, no conflicts (2 of 4 stars). 3 submissions from 3 submitters: Likely benign (3). Last evaluated 2025-06-22.

Conditions:
Inborn genetic diseases. Identifiers: MedGen C0950123, MeSH D030342.
Benign neonatal seizures. Also called: Convulsions benign familial neonatal dominant form; Autosomal dominant form of benign neonatal seizures; Benign familial neonatal seizures; Benign neonatal familial convulsions; Benign familial neonatal epilepsy. Identifiers: Orphanet 1949, MedGen C0220669, MONDO:0016027.

Allele frequency attached by ClinVar (database versions not stated): gnomAD 0.00001; gnomAD exomes 0.00002 and 0.00003; TOPMed 0.00002; ExAC 0.00003.
gnomAD v4.1: 36 of 1,613,894 alleles (0.0022%); highest among the groups gnomAD compares: South Asian, 0.026%; no homozygotes.

Submissions (3):

Labcorp Genetics (formerly Invitae), Labcorp
Classification: Likely benign for Benign neonatal seizures. Last evaluated: 2025-06-22. Review status: criteria provided, single submitter. Criteria: Invitae Variant Classification Sherloc (09022015). Collection method: clinical testing. Allele origin: germline.

Ambry Genetics
Classification: Likely benign for Inborn genetic diseases. Last evaluated: 2016-09-06. Review status: criteria provided, single submitter. Criteria: Ambry Variant Classification Scheme 2023. Collection method: clinical testing. Allele origin: germline.

GeneDx
Classification: Likely benign. Last evaluated: 2016-04-06. Review status: criteria provided, single submitter. Criteria: GeneDx Variant Classification (06012015). Collection method: clinical testing. Allele origin: germline. Affected: yes.
Comment: This variant is considered likely benign or benign based on one or more of the following criteria: it is a conservative change, it occurs at a poorly conserved position in the protein, it is predicted to be benign by multiple in silico algorithms, and/or has population frequency not consistent with disease.

NM_004519.4(KCNQ3):c.789G>A (p.Thr263=)

Gene: KCNQ3 (potassium voltage-gated channel subfamily Q member 3; minus strand). Cytogenetic location: 8q24.22.
Variant type: single nucleotide variant.
Coding change: c.789G>A on transcript NM_004519.4 (MANE Select); coding-DNA position 789, G replaced by A.
Protein change: p.Thr263=; no amino-acid change (threonine 263 retained).
Molecular consequence: synonymous variant.
Genome position (GRCh38, 1-based): chr8:132,175,597, C>T on the plus strand (G>A on the coding strand, the complement: KCNQ3 is on the minus strand). VCF-style: chr8-132175597-C-T. GRCh37 (hg19) VCF-style: chr8-133187844-C-T.
Other names: c.429G>A, p.Thr143= (NM_001204824.2).
Identifiers: ClinVar variation 385203 (VCV000385203.14), dbSNP rs762086066, ClinGen allele CA4880835.